The following is an entry in ClinVar:

ClinVar aggregate classification (germline): Pathogenic (1 of 4 stars; one submission).

Conditions:
Neurofibromatosis, type 1 (NF1). Also called: Peripheral type neurofibromatosis; Neurofibromatosis, type I; VON RECKLINGHAUSEN DISEASE; NEUROFIBROMATOSIS, TYPE I, SOMATIC. Identifiers: Orphanet 636, MedGen C0027831, MONDO:0018975, OMIM 162200. Disease mechanism: loss of function.

Submission:

Labcorp Genetics (formerly Invitae), Labcorp
Classification: Pathogenic for Neurofibromatosis, type 1. Last evaluated: 2019-11-15. Review status: criteria provided, single submitter. Criteria: Invitae Variant Classification Sherloc (09022015). Collection method: clinical testing. Allele origin: germline.
Comment: This variant is an in-frame deletion of the genomic region encompassing exon 2 of the NF1 gene. It preserves the integrity of the reading frame. A similar copy number variant has been observed in individuals affected with neurofibromatosis type 1 (PMID: 16283621, 17311297). For these reasons, this variant has been classified as Pathogenic.

Literature cited by the submitters: PubMed 17311297; PubMed 16283621.

NC_000017.11:g.(?_31155973)_(31156136_?)del

Gene: NF1 (neurofibromin 1; plus strand). Cytogenetic location: 17q11.2.
Variant type: Deletion.
Identifiers: ClinVar variation 833279 (VCV000833279.1).